The following is an entry in ClinVar:

NM_004655.4(AXIN2):c.2267T>A (p.Val756Asp)

Gene: AXIN2 (axin 2; minus strand). Cytogenetic location: 17q24.1.
Variant type: single nucleotide variant.
Coding change: c.2267T>A on transcript NM_004655.4 (MANE Select); coding-DNA position 2267, T replaced by A.
Protein change: p.Val756Asp; replaces valine 756 with aspartic acid.
Molecular consequence: missense variant.
Genome position (GRCh38, 1-based): chr17:65,534,050, A>T on the plus strand (T>A on the coding strand, the complement: AXIN2 is on the minus strand). VCF-style: chr17-65534050-A-T. GRCh37 (hg19) VCF-style: chr17-63530168-A-T.
Other names: c.2072T>A, p.Val691Asp (NM_001363813.1); short protein forms V691D, V756D.
Identifiers: ClinVar variation 2795607 (VCV002795607.4), dbSNP rs2509390047, ClinGen allele CA400675622.
Genomic context (GRCh38, chr17:65,534,050, plus strand): 5'-GGAATTTCTTCCCCACAGAAAAAGTAAGTGACAACCAACTCACTGGCCTGGAGCGCGTGG[A>T]CACCTGCCAGTTTCTTTGGCTCTTTGTGACTGAAAATAAGATGGAATGGAACAAGTTTAG-3'
Protein context (NP_004646.3, residues 746-766): DHKEPKKLAG[Val756Asp]HALQASELVV

ClinVar aggregate classification (germline): Uncertain significance. Review status: criteria provided, multiple submitters, no conflicts (2 of 4 stars). 2 submissions from 2 submitters: Uncertain significance (2). Last evaluated 2024-02-17.

Conditions:
Hereditary cancer-predisposing syndrome. Also called: Hereditary Cancer Syndrome; Neoplastic Syndromes, Hereditary; Tumor predisposition; Hereditary neoplastic syndrome. Identifiers: Orphanet 140162, MedGen C0027672, MeSH D009386, MONDO:0015356.
Oligodontia-cancer predisposition syndrome. Also called: TOOTH AGENESIS-COLORECTAL CANCER SYNDROME. Identifiers: Orphanet 300576, MedGen C1837750, MONDO:0012075, OMIM 608615. Disease mechanism: loss of function.

Submissions (2):

Ambry Genetics
Classification: Uncertain significance for Hereditary cancer-predisposing syndrome. Last evaluated: 2024-02-17. Review status: criteria provided, single submitter. Criteria: Ambry Variant Classification Scheme 2023. Collection method: clinical testing. Allele origin: germline.
Comment: The p.V756D variant (also known as c.2267T>A), located in coding exon 9 of the AXIN2 gene, results from a T to A substitution at nucleotide position 2267. The valine at codon 756 is replaced by aspartic acid, an amino acid with highly dissimilar properties. This amino acid position is conserved. In addition, the in silico prediction for this alteration is inconclusive. Based on the available evidence, the clinical significance of this alteration remains unclear.

Labcorp Genetics (formerly Invitae), Labcorp
Classification: Uncertain significance for Oligodontia-cancer predisposition syndrome. Last evaluated: 2022-12-21. Review status: criteria provided, single submitter. Criteria: Invitae Variant Classification Sherloc (09022015). Collection method: clinical testing. Allele origin: germline.
Comment: This sequence change replaces valine, which is neutral and non-polar, with aspartic acid, which is acidic and polar, at codon 756 of the AXIN2 protein (p.Val756Asp). This variant is not present in population databases (gnomAD no frequency). This variant has not been reported in the literature in individuals affected with AXIN2-related conditions. Advanced modeling of protein sequence and biophysical properties (such as structural, functional, and spatial information, amino acid conservation, physicochemical variation, residue mobility, and thermodynamic stability) performed at Invitae indicates that this missense variant is not expected to disrupt AXIN2 protein function. In summary, the available evidence is currently insufficient to determine the role of this variant in disease. Therefore, it has been classified as a Variant of Uncertain Significance.